The following is an entry in ClinVar:

ClinVar aggregate classification (germline): Uncertain significance. Review status: criteria provided, multiple submitters, no conflicts (2 of 4 stars). 2 submissions from 2 submitters: Uncertain significance (2). Last evaluated 2024-07-09.

Conditions:
DICER1-related tumor predisposition. Also called: DICER1 syndrome; DICER1-related pleuropulmonary blastoma cancer predisposition syndrome. Identifiers: Orphanet 284343, MedGen C3839822, MONDO:0100216.
Hereditary cancer-predisposing syndrome. Also called: Hereditary neoplastic syndrome; Tumor predisposition; Neoplastic Syndromes, Hereditary; Hereditary Cancer Syndrome. Identifiers: Orphanet 140162, MedGen C0027672, MeSH D009386, MONDO:0015356.

Submissions (2):

Ambry Genetics
Classification: Uncertain significance for Hereditary cancer-predisposing syndrome. Last evaluated: 2024-07-09. Review status: criteria provided, single submitter. Criteria: Ambry Variant Classification Scheme 2023. Collection method: clinical testing. Allele origin: germline.
Comment: The c.903+4A>G intronic variant results from an A to G substitution 4 nucleotides after coding exon 6 in the DICER1 gene. This nucleotide position is highly conserved in available vertebrate species. In silico splice site analysis for this alteration is inconclusive. Based on the available evidence, the clinical significance of this variant remains unclear.

Labcorp Genetics (formerly Invitae), Labcorp
Classification: Uncertain significance for DICER1-related tumor predisposition. Last evaluated: 2024-03-13. Review status: criteria provided, single submitter. Criteria: Invitae Variant Classification Sherloc (09022015). Collection method: clinical testing. Allele origin: germline.
Comment: This sequence change falls in intron 7 of the DICER1 gene. It does not directly change the encoded amino acid sequence of the DICER1 protein. It affects a nucleotide within the consensus splice site. This variant is not present in population databases (gnomAD no frequency). This variant has not been reported in the literature in individuals affected with DICER1-related conditions. ClinVar contains an entry for this variant (Variation ID: 859472). Variants that disrupt the consensus splice site are a relatively common cause of aberrant splicing (PMID: 17576681, 9536098). Algorithms developed to predict the effect of sequence changes on RNA splicing suggest that this variant is not likely to affect RNA splicing. In summary, the available evidence is currently insufficient to determine the role of this variant in disease. Therefore, it has been classified as a Variant of Uncertain Significance.

Literature cited by the submitters: PubMed 17576681 (cited by Labcorp Genetics (formerly Invitae), Labcorp); PubMed 9536098 (cited by Labcorp Genetics (formerly Invitae), Labcorp).

NM_177438.3(DICER1):c.903+4A>G

Gene: DICER1 (dicer 1, ribonuclease III; minus strand). Cytogenetic location: 14q32.13.
Variant type: single nucleotide variant.
Coding change: c.903+4A>G on transcript NM_177438.3 (MANE Select); 4 bases into the intron after coding-DNA position 903, A replaced by G.
Molecular consequence: intron variant.
Genome position (GRCh38, 1-based): chr14:95,126,576, T>C on the plus strand (A>G on the coding strand, the complement: DICER1 is on the minus strand). VCF-style: chr14-95126576-T-C. GRCh37 (hg19) VCF-style: chr14-95592913-T-C.
Other names: c.903+4A>G (NM_001291628.2, NM_030621.4, NM_001271282.3 and 1 more transcripts).
Identifiers: ClinVar variation 859472 (VCV000859472.10), dbSNP rs1420836242, ClinGen allele CA916081724.